The following is an entry in ClinVar:

ClinVar aggregate classification (germline): Uncertain significance (1 of 4 stars; one submission).

Conditions:
Glycogen storage disease type X (GSD10). Also called: Dimauro disease; Glycogen storage disease due to phosphoglycerate mutase deficiency; GSD X; MYOPATHY DUE TO PHOSPHOGLYCERATE MUTASE DEFICIENCY; PGAMM DEFICIENCY; PHOSPHOGLYCERATE MUTASE, MUSCLE, DEFICIENCY OF. Identifiers: Orphanet 97234, MedGen C0268149, MONDO:0009865, OMIM 261670.

gnomAD v4.1: 3 of 1,613,584 alleles (0.00019%); highest among the groups gnomAD compares: Admixed American, 0.0033%; no homozygotes.

Submission:

Labcorp Genetics (formerly Invitae), Labcorp
Classification: Uncertain significance for Glycogen storage disease type X. Last evaluated: 2022-07-08. Review status: criteria provided, single submitter. Criteria: Invitae Variant Classification Sherloc (09022015). Collection method: clinical testing. Allele origin: germline.
Comment: This sequence change replaces threonine, which is neutral and polar, with asparagine, which is neutral and polar, at codon 84 of the PGAM2 protein (p.Thr84Asn). This variant is present in population databases (no rsID available, gnomAD 0.006%). This variant has not been reported in the literature in individuals affected with PGAM2-related conditions. Algorithms developed to predict the effect of missense changes on protein structure and function are either unavailable or do not agree on the potential impact of this missense change (SIFT: "Deleterious"; PolyPhen-2: "Possibly Damaging"; Align-GVGD: "Class C0"). In summary, the available evidence is currently insufficient to determine the role of this variant in disease. Therefore, it has been classified as a Variant of Uncertain Significance.

NM_000290.4(PGAM2):c.251C>A (p.Thr84Asn)

Genes: DBNL (drebrin like; plus strand), PGAM2 (phosphoglycerate mutase 2; minus strand), LOC129998343 (ATAC-STARR-seq lymphoblastoid active region 25926; plus strand). Cytogenetic location: 7p13.
Variant type: single nucleotide variant.
Coding change: c.251C>A on transcript NM_000290.4 (MANE Select); coding-DNA position 251, C replaced by A.
Protein change: p.Thr84Asn; replaces threonine 84 with asparagine.
Molecular consequence: missense variant. On other transcripts: 3 prime UTR variant (6).
Genome position (GRCh38, 1-based): chr7:44,065,279, G>T on the plus strand (C>A on the coding strand, the complement: PGAM2 is on the minus strand). VCF-style: chr7-44065279-G-T. GRCh37 (hg19) VCF-style: chr7-44104878-G-T.
Other names: c.*4363G>T (NM_001014436.3, NM_001122956.2, NM_001284313.2 and 3 more transcripts); short protein forms T84N.
Identifiers: ClinVar variation 2015223 (VCV002015223.1), dbSNP rs1279915046, ClinGen allele CA367369336.
Genomic context (GRCh38, chr7:44,065,279, plus strand): 5'-GCCGTTTCTGCCTTGTTGAGGCCTGTGAGGCCCCCGTAATGCCGCTCATTGAGGCGCCAA[G>T]TGCGCACCACAGGCAGCCACATCTGGTCCGTGCCGTCCAGGATGGCCCAGAGGGTGCGGA-3'
Protein context (NP_000281.2, residues 74-94): TDQMWLPVVR[Thr84Asn]WRLNERHYGG